The following is an entry in ClinVar:

NM_003477.3(PDHX):c.320A>T (p.Asp107Val)

Gene: PDHX (pyruvate dehydrogenase complex component X; plus strand). Cytogenetic location: 11p13.
Variant type: single nucleotide variant.
Coding change: c.320A>T on transcript NM_003477.3 (MANE Select); coding-DNA position 320, A replaced by T.
Protein change: p.Asp107Val; replaces aspartic acid 107 with valine.
Molecular consequence: missense variant.
Genome position (GRCh38, 1-based): chr11:34,947,584, A>T. VCF-style: chr11-34947584-A-T. GRCh37 (hg19) VCF-style: chr11-34969131-A-T.
Other names: c.140A>T, p.Asp47Val (NM_001135024.2); c.320A>T, p.Asp107Val (NM_001166158.2); short protein forms D107V, D47V.
Identifiers: ClinVar variation 2159190 (VCV002159190.3), dbSNP rs1269529266, ClinGen allele CA380115987.
Genomic context (GRCh38, chr11:34,947,584, plus strand): 5'-GAGATGCATTATGTGAAATTGAGACTGACAAAGCTGTGGTTACCTTAGATGCAAGTGATG[A>T]TGGAATCTTGGCCAAAATCGTGGTAAGTTTTTATTTTAATTTTCTTCAACAGGATGAAGA-3'
Protein context (NP_003468.2, residues 97-117): KAVVTLDASD[Asp107Val]GILAKIVVEE

ClinVar aggregate classification (germline): Uncertain significance (1 of 4 stars; one submission).

Allele frequency attached by ClinVar (database versions not stated): TOPMed 0.00001.
gnomAD v4.1: 1 of 1,611,594 alleles (0.000062%); highest among the groups gnomAD compares: Admixed American, 0.0017%; no homozygotes.

Submission:

Labcorp Genetics (formerly Invitae), Labcorp
Classification: Uncertain significance. Last evaluated: 2024-02-24. Review status: criteria provided, single submitter. Criteria: Invitae Variant Classification Sherloc (09022015). Collection method: clinical testing. Allele origin: germline.
Comment: This sequence change replaces aspartic acid, which is acidic and polar, with valine, which is neutral and non-polar, at codon 107 of the PDHX protein (p.Asp107Val). This variant is present in population databases (no rsID available, gnomAD 0.003%). This variant has not been reported in the literature in individuals affected with PDHX-related conditions. ClinVar contains an entry for this variant (Variation ID: 2159190). Advanced modeling of protein sequence and biophysical properties (such as structural, functional, and spatial information, amino acid conservation, physicochemical variation, residue mobility, and thermodynamic stability) performed at Invitae indicates that this missense variant is expected to disrupt PDHX protein function with a positive predictive value of 80%. In summary, the available evidence is currently insufficient to determine the role of this variant in disease. Therefore, it has been classified as a Variant of Uncertain Significance.